The following is an entry in ClinVar:

NM_001366521.1(ATP2B1):c.2140A>C (p.Thr714Pro)

Gene: ATP2B1 (ATPase plasma membrane Ca2+ transporting 1; minus strand). Cytogenetic location: 12q21.33.
Variant type: single nucleotide variant.
Coding change: c.2140A>C on transcript NM_001366521.1 (MANE Select); coding-DNA position 2140, A replaced by C.
Protein change: p.Thr714Pro; replaces threonine 714 with proline.
Molecular consequence: missense variant. On other transcripts: non-coding transcript variant (3).
Genome position (GRCh38, 1-based): chr12:89,611,300, T>G on the plus strand (A>C on the coding strand, the complement: ATP2B1 is on the minus strand). VCF-style: chr12-89611300-T-G. GRCh37 (hg19) VCF-style: chr12-90005077-T-G.
Other names: c.1999A>C, p.Thr667Pro (NM_001413052.1, NM_001413055.1, NM_001413051.1); c.1942A>C, p.Thr648Pro (NM_001413053.1, NM_001366530.1); c.1897A>C, p.Thr633Pro (NM_001413054.1); c.1885A>C, p.Thr629Pro (NM_001413056.1); c.1687A>C, p.Thr563Pro (NM_001413057.1); c.1579A>C, p.Thr527Pro (NM_001413058.1, NM_001413059.1, NM_001413060.1 and 2 more transcripts); c.2140A>C, p.Thr714Pro (NM_001682.3, NM_001001323.2, NM_001366520.1 and 12 more transcripts); c.2101A>C, p.Thr701Pro (NM_001413048.1); short protein forms T527P, T563P, T629P, T633P, T648P, T667P, T701P, T714P.
Identifiers: ClinVar variation 4684995 (VCV004684995.1).
Genomic context (GRCh38, chr12:89,611,300, plus strand): 5'-GGCACAGAAAATCTTCCCCAGGATGTAAAATACCACATTTGGTAGCAATGGCCCGAGCAG[T>G]ATTAATATTATCACCAGTGACCATCCGCACAGTAATTCCAGCCCTCTGACACTTTTTAAT-3'
Protein context (NP_001353450.1, residues 704-724): VRMVTGDNIN[Thr714Pro]ARAIATKCGI

ClinVar aggregate classification (germline): Likely pathogenic (1 of 4 stars; one submission).

Conditions:
Intellectual developmental disorder, autosomal dominant 66. Also called: MENTAL RETARDATION, AUTOSOMAL DOMINANT 66. Identifiers: MedGen C5677000, MONDO:0030891, OMIM 619910.

Submission:

Pediatric Lab, The First Affiliated Hospital of Bengbu Medical College
Classification: Likely pathogenic for Intellectual developmental disorder, autosomal dominant 66. Last evaluated: 2025-12-30. Review status: criteria provided, single submitter. Criteria: ACMG Guidelines, 2015. Collection method: provider interpretation. Allele origin: de novo. Inheritance: Autosomal dominant inheritance. Affected: yes. Observed: 1 variant allele, 1 heterozygote.
Comment: The NM_001366521.1: c.2140A>C variant is a missense mutation in the ATP2B1 gene, resulting in the substitution of threonine with proline at amino acid position 714 (p.Thr714Pro; chr12:90005077, GRCh37/hg19). The ATP2B1 gene shows strong intolerance to missense variation, as evidenced by a high gnomAD missense Z-score of 7.01 (constraint threshold ≥ 3.09) (PP2). Computational prediction tools unanimously predict a deleterious effect for this variant (PP3). According to the ACMG/AMP guidelines (PS2 + PM2_Supporting + PP2 + PP3) (PMID 25741868), the ATP2B1 c.2140A>C (p.Thr714Pro) variant is classified as Likely Pathogenic.